The following is an entry in ClinVar:

ClinVar aggregate classification (germline): Conflicting classifications of pathogenicity. Review status: criteria provided, conflicting classifications (1 of 4 stars). 6 submissions from 6 submitters: Uncertain significance (4); Likely benign (1). 1 of the submissions does not count toward it. Last evaluated 2025-10-31.

Conditions:
BRCA2-related cancer predisposition. Identifiers: MedGen CN377758, MONDO:0700269.
Breast-ovarian cancer, familial, susceptibility to, 2 (BROVCA2). Also called: BRCA2 Hereditary Breast and Ovarian Cancer. Identifiers: Orphanet 145, MedGen C2675520, MONDO:0012933, OMIM 612555. Disease mechanism: loss of function.
Breast-ovarian cancer, familial, susceptibility to, 1 (BROVCA1). Also called: BRCA1 Hereditary Breast and Ovarian Cancer; OVARIAN CANCER, SUSCEPTIBILITY TO. Identifiers: Orphanet 145, MedGen C2676676, MONDO:0011450, OMIM 604370. Disease mechanism: loss of function.
Hereditary cancer-predisposing syndrome. Also called: Hereditary Cancer Syndrome; Neoplastic Syndromes, Hereditary; Hereditary neoplastic syndrome; Tumor predisposition. Identifiers: Orphanet 140162, MedGen C0027672, MeSH D009386, MONDO:0015356.
Hereditary breast ovarian cancer syndrome. Also called: Hereditary breast and/or ovarian cancer syndrome; Hereditary breast and ovarian cancer syndrome; Hereditary breast and ovarian cancer; Hereditary breast and ovarian cancer syndrome (HBOC); Breast and ovarian cancer; BRCA1- and BRCA2-Associated Hereditary Breast and Ovarian Cancer. Identifiers: Orphanet 145, MedGen C0677776, MeSH D061325, MONDO:0003582. Disease mechanism: loss of function.

Allele frequency attached by ClinVar (database versions not stated): gnomAD exomes below 0.00001; TOPMed below 0.00001; gnomAD 0.00001.

Submissions (6):

Women's Health and Genetics/Laboratory Corporation of America, LabCorp
Classification: Uncertain significance. Last evaluated: 2025-10-31. Review status: criteria provided, single submitter. Criteria: LabCorp Variant Classification Summary - May 2015. Collection method: clinical testing. Allele origin: germline.
Comment: Variant summary: BRCA2 c.7897G>T (p.Ala2633Ser) results in a conservative amino acid change in the encoded protein sequence. Algorithms developed to predict the effect of missense changes on protein structure and function are either unavailable or do not agree on the potential impact of this missense change. The variant allele was found at a frequency of 4e-06 in 251286 control chromosomes. The available data on variant occurrences in the general population are insufficient to allow any conclusion about variant significance. c.7897G>T has been observed in at least one female with low-grade serous carcinoma of the ovary, who was also found to carry a germline variant in the NRAS gene (example: Zhang_2021). This report does not provide unequivocal conclusions about association of the BRCA2 variant with Hereditary Breast And Ovarian Cancer Syndrome. To our knowledge, no experimental evidence demonstrating an impact on protein function has been reported. The following publication has been ascertained in the context of this evaluation (PMID: 33773808). ClinVar contains an entry for this variant (Variation ID: 96861). Based on the evidence outlined above, the variant was classified as uncertain significance.

Ambry Genetics
Classification: Likely benign for Hereditary cancer-predisposing syndrome. Last evaluated: 2025-05-19. Review status: criteria provided, single submitter. Criteria: Ambry Variant Classification Scheme 2023. Collection method: clinical testing. Allele origin: germline.

All of Us Research Program, National Institutes of Health
Classification: Uncertain significance for BRCA2-related cancer predisposition. Last evaluated: 2024-09-23. Review status: criteria provided, single submitter. Criteria: ACMG Guidelines, 2015. Collection method: clinical testing. Allele origin: germline. Inheritance: Autosomal dominant inheritance. Observed: 1 variant allele, 1 heterozygote.
Comment: This study involves interpretation of variants in research participants for the purpose of population health screening. Participant phenotype was not available at the time of variant classification. Additional details can be found in publication PMID: 35346344, PMCID: PMC8962531

Institute of Immunology and Genetics Kaiserslautern
Classification: Uncertain significance for Breast-ovarian cancer, familial, susceptibility to, 1. Last evaluated: 2024-07-09. Review status: criteria provided, single submitter. Criteria: ACMG Guidelines, 2015. Collection method: clinical testing. Allele origin: germline. Affected: yes.
Comment: ACMG Criteria: PM2_p; Variant was found in heterozygous state

Labcorp Genetics (formerly Invitae), Labcorp
Classification: Uncertain significance for Hereditary breast ovarian cancer syndrome. Last evaluated: 2022-11-02. Review status: criteria provided, single submitter. Criteria: Invitae Variant Classification Sherloc (09022015). Collection method: clinical testing. Allele origin: germline.
Comment: In summary, the available evidence is currently insufficient to determine the role of this variant in disease. Therefore, it has been classified as a Variant of Uncertain Significance. Advanced modeling of protein sequence and biophysical properties (such as structural, functional, and spatial information, amino acid conservation, physicochemical variation, residue mobility, and thermodynamic stability) performed at Invitae indicates that this missense variant is not expected to disrupt BRCA2 protein function. ClinVar contains an entry for this variant (Variation ID: 96861). This missense change has been observed in individual(s) with clinical features of BRCA2-related conditions (PMID: 21520333). This variant is present in population databases (rs431825359, gnomAD 0.0009%). This sequence change replaces alanine, which is neutral and non-polar, with serine, which is neutral and polar, at codon 2633 of the BRCA2 protein (p.Ala2633Ser).

Sharing Clinical Reports Project (SCRP)
Classification: Uncertain significance for Breast-ovarian cancer, familial 2. Last evaluated: 2007-12-03. Review status: no assertion criteria provided. Collection method: clinical testing. Allele origin: germline. Not counted in ClinVar's aggregate classification.

Literature cited by the submitters: PubMed 33773808 (cited by Women's Health and Genetics/Laboratory Corporation of America, LabCorp); PubMed 21520333 (cited by Labcorp Genetics (formerly Invitae), Labcorp).

NM_000059.4(BRCA2):c.7897G>T (p.Ala2633Ser)

Gene: BRCA2 (BRCA2 DNA repair associated; plus strand). Cytogenetic location: 13q13.1.
Variant type: single nucleotide variant.
Coding change: c.7897G>T on transcript NM_000059.4 (MANE Select); coding-DNA position 7897, G replaced by T.
Protein change: p.Ala2633Ser; replaces alanine 2633 with serine.
Molecular consequence: missense variant.
Genome position (GRCh38, 1-based): chr13:32,362,614, G>T. VCF-style: chr13-32362614-G-T. GRCh37 (hg19) VCF-style: chr13-32936751-G-T.
Other names: short protein forms A2633S.
Identifiers: ClinVar variation 96861 (VCV000096861.21), dbSNP rs431825359, ClinGen allele CA025325.